The following is an entry in ClinVar:

ClinVar aggregate classification (germline): Uncertain significance (1 of 4 stars; one submission).

Conditions:
Dilated cardiomyopathy 1O (CMD1O). Also called: CARDIOMYOPATHY, DILATED, WITH VENTRICULAR TACHYCARDIA. Identifiers: Orphanet 154, MedGen C1837839, MONDO:0012062, OMIM 608569.

Allele frequency attached by ClinVar (database versions not stated): gnomAD exomes below 0.00001; gnomAD 0.00001; TOPMed 0.00001.
gnomAD v4.1: 2 of 1,613,108 alleles (0.00012%); highest among the groups gnomAD compares: African/African-American, 0.0027%; no homozygotes.

Submission:

Labcorp Genetics (formerly Invitae), Labcorp
Classification: Uncertain significance for Dilated cardiomyopathy 1O. Last evaluated: 2023-11-12. Review status: criteria provided, single submitter. Criteria: Invitae Variant Classification Sherloc (09022015). Collection method: clinical testing. Allele origin: germline.
Comment: This sequence change replaces serine, which is neutral and polar, with tyrosine, which is neutral and polar, at codon 527 of the ABCC9 protein (p.Ser527Tyr). This variant is not present in population databases (gnomAD no frequency). This variant has not been reported in the literature in individuals affected with ABCC9-related conditions. Advanced modeling of protein sequence and biophysical properties (such as structural, functional, and spatial information, amino acid conservation, physicochemical variation, residue mobility, and thermodynamic stability) performed at Invitae indicates that this missense variant is not expected to disrupt ABCC9 protein function with a negative predictive value of 95%. In summary, the available evidence is currently insufficient to determine the role of this variant in disease. Therefore, it has been classified as a Variant of Uncertain Significance.

NM_020297.4(ABCC9):c.1580C>A (p.Ser527Tyr)

Gene: ABCC9 (ATP binding cassette subfamily C member 9; minus strand). Cytogenetic location: 12p12.1.
Variant type: single nucleotide variant.
Coding change: c.1580C>A on transcript NM_020297.4 (MANE Select); coding-DNA position 1580, C replaced by A.
Protein change: p.Ser527Tyr; replaces serine 527 with tyrosine.
Molecular consequence: missense variant.
Genome position (GRCh38, 1-based): chr12:21,906,164, G>T on the plus strand (C>A on the coding strand, the complement: ABCC9 is on the minus strand). VCF-style: chr12-21906164-G-T. GRCh37 (hg19) VCF-style: chr12-22059098-G-T.
Other names: c.1580C>A, p.Ser527Tyr (NM_001377273.1, NM_005691.4); c.716C>A, p.Ser239Tyr (NM_001377274.1); short protein forms S239Y, S527Y.
Identifiers: ClinVar variation 3006268 (VCV003006268.3), dbSNP rs1400085276, ClinGen allele CA384139082.